The following is an entry in ClinVar:

ClinVar aggregate classification (germline): Uncertain significance. Review status: criteria provided, multiple submitters, no conflicts (2 of 4 stars). 2 submissions from 2 submitters: Uncertain significance (2). Last evaluated 2024-04-29.

Conditions:
Hereditary cancer-predisposing syndrome. Also called: Hereditary neoplastic syndrome; Neoplastic Syndromes, Hereditary; Tumor predisposition; Hereditary Cancer Syndrome. Identifiers: Orphanet 140162, MedGen C0027672, MeSH D009386, MONDO:0015356.

Submissions (2):

Color Diagnostics, LLC DBA Color Health
Classification: Uncertain significance for Hereditary cancer-predisposing syndrome. Last evaluated: 2024-04-29. Review status: criteria provided, single submitter. Criteria: ACMG Guidelines, 2015. Collection method: clinical testing. Allele origin: germline.
Comment: This missense variant replaces proline with serine at codon 2271 of the APC protein. Computational prediction suggests that this variant may not impact protein structure and function (internally defined REVEL score threshold <= 0.5, PMID: 27666373). To our knowledge, functional studies have not been reported for this variant. This variant has not been reported in individuals affected with APC-related disorders in the literature. This variant has not been identified in the general population by the Genome Aggregation Database (gnomAD). The available evidence is insufficient to determine the role of this variant in disease conclusively. Therefore, this variant is classified as a Variant of Uncertain Significance.

GeneDx
Classification: Uncertain significance. Last evaluated: 2024-04-19. Review status: criteria provided, single submitter. Criteria: GeneDx Variant Classification Process June 2021. Collection method: clinical testing. Allele origin: germline. Affected: yes.
Comment: Not observed at significant frequency in large population cohorts (gnomAD); In silico analysis indicates that this missense variant does not alter protein structure/function; Has not been previously published as pathogenic or benign to our knowledge; This variant is associated with the following publications: (PMID: 18199528)

NM_000038.6(APC):c.6811C>T (p.Pro2271Ser)

Gene: APC (APC regulator of Wnt signaling pathway; plus strand). Cytogenetic location: 5q22.2.
Variant type: single nucleotide variant.
Coding change: c.6811C>T on transcript NM_000038.6 (MANE Select); coding-DNA position 6811, C replaced by T.
Protein change: p.Pro2271Ser; replaces proline 2271 with serine.
Molecular consequence: missense variant.
Genome position (GRCh38, 1-based): chr5:112,842,405, C>T. VCF-style: chr5-112842405-C-T. GRCh37 (hg19) VCF-style: chr5-112178102-C-T.
Other names: c.6811C>T, p.Pro2271Ser (NM_001127510.3, NM_001354895.2); c.6757C>T, p.Pro2253Ser (NM_001127511.3); c.6865C>T, p.Pro2289Ser (NM_001354896.2); c.6841C>T, p.Pro2281Ser (NM_001354897.2); c.6736C>T, p.Pro2246Ser (NM_001354898.2); c.6727C>T, p.Pro2243Ser (NM_001354899.2); c.6688C>T, p.Pro2230Ser (NM_001354900.2); c.6634C>T, p.Pro2212Ser (NM_001354901.2); and 5 more; short protein forms P1988S, P2111S, P2145S, P2170S, P2180S, P2212S, P2230S, P2243S.
Identifiers: ClinVar variation 1317336 (VCV001317336.4), dbSNP rs2149973793, ClinGen allele CA16036204.